The following is an entry in ClinVar:

NM_001267550.2(TTN):c.11254+2T>C

Gene: TTN (titin; minus strand). Cytogenetic location: 2q31.2.
Variant type: single nucleotide variant.
Coding change: c.11254+2T>C on transcript NM_001267550.2 (MANE Select); the canonical splice donor site of the intron after coding-DNA position 11254, T replaced by C.
Molecular consequence: splice donor variant. On other transcripts: intron variant (5).
Genome position (GRCh38, 1-based): chr2:178,756,220, A>G on the plus strand (T>C on the coding strand, the complement: TTN is on the minus strand). VCF-style: chr2-178756220-A-G. GRCh37 (hg19) VCF-style: chr2-179620947-A-G.
Other names: c.10165+2764T>C (NM_003319.4); c.10741+2T>C (NM_133437.4); c.10540+1322T>C (NM_133432.3); c.10303+2764T>C (NM_133378.4, NM_001256850.1, NM_133379.5).
Identifiers: ClinVar variation 178264 (VCV000178264.58), dbSNP rs199565715, ClinGen allele CA181959.
Genomic context (GRCh38, chr2:178,756,220, plus strand): 5'-AGAAAAGCTGCATAAAGCGATGAGGATGAAATGAAGCAAGTCATAGCTAAAAATCAATTA[A>G]CCACCTTCTACACTTAGTACTGCTGACGTTGTCCTCTCTCCACAGTCATTGTGTACAATG-3'

ClinVar aggregate classification (germline): Conflicting classifications of pathogenicity. Review status: criteria provided, conflicting classifications (1 of 4 stars). 10 submissions from 10 submitters: Uncertain significance (1); Benign (2); Likely benign (6). 1 of the submissions does not count toward it. Last evaluated 2026-09-21.

Conditions:
TTN-related disorder. Also called: TTN-related disorders; TTN-related condition; TTN-related disease.
Dilated cardiomyopathy 1G (CMD1G). Identifiers: Orphanet 154, MedGen C1858763, MONDO:0011400, OMIM 604145.
Autosomal recessive limb-girdle muscular dystrophy type 2J (LGMDR10). Also called: Limb-girdle muscular dystrophy, type 2J; MUSCULAR DYSTROPHY, LIMB-GIRDLE, AUTOSOMAL RECESSIVE 10. Identifiers: Orphanet 140922, MedGen C1837342, MONDO:0012127, OMIM 608807.

Allele frequency attached by ClinVar (database versions not stated): gnomAD exomes 0.00012 and 0.00030; ExAC 0.00040; 1000 Genomes Project 0.00060; 1000 Genomes Project 30x 0.00062; gnomAD 0.00136 and 0.00147; TOPMed 0.00138; ESP Exome Variant Server 0.00140.
gnomAD v4.1: 395 of 1,589,862 alleles (0.025%); highest among the groups gnomAD compares: African/African-American, 0.48%; 1 homozygote.

Submissions (10):

Molecular Diagnostic Laboratory for Inherited Cardiovascular Disease, Montreal Heart Institute
Classification: Likely benign. Last evaluated: 2026-09-21. Review status: criteria provided, single submitter. Criteria: ACMG Guidelines, 2015. Collection method: clinical testing. Allele origin: germline. Affected: no.
Comment: BS1;BP4

Labcorp Genetics (formerly Invitae), Labcorp
Classification: Likely benign for Dilated cardiomyopathy 1G; Autosomal recessive limb-girdle muscular dystrophy type 2J. Last evaluated: 2026-01-31. Review status: criteria provided, single submitter. Criteria: Invitae Variant Classification Sherloc (09022015). Collection method: clinical testing. Allele origin: germline.

Blueprint Genetics
Classification: Likely benign. Last evaluated: 2024-09-03. Review status: criteria provided, single submitter. Criteria: ACMG Guidelines, 2015. Collection method: clinical testing. Allele origin: germline.

CeGaT Center for Human Genetics Tuebingen
Classification: Likely benign. Last evaluated: 2024-09-01. Review status: criteria provided, single submitter. Criteria: CeGaT Center For Human Genetics Tuebingen Variant Classification Criteria Version 2. Collection method: clinical testing. Allele origin: germline. Affected: yes. Observed: 3 variant alleles.
Comment: TTN: BS1

Women's Health and Genetics/Laboratory Corporation of America, LabCorp
Classification: Benign. Last evaluated: 2023-03-08. Review status: criteria provided, single submitter. Criteria: LabCorp Variant Classification Summary - May 2015. Collection method: clinical testing. Allele origin: germline.
Comment: Variant summary: TTN c.10303+2764T>C is located at a position not widely known to affect splicing. 4/4 computational tools predict no significant impact on normal splicing. However, these predictions have yet to be confirmed by functional studies. In a different transcript this variant has also been reported as a splice site variant (i.e. NM_001267550, c.11254+2T>C), however, the PSI value (proportion spliced-in) for the neighboring exon is very low (see e.g. in McAfee_2021), therefore it's significance is unclear. The variant allele was found at a frequency of 0.0013 in 150958 control chromosomes, predominantly at a frequency of 0.0048 within the African or African-American subpopulation in the gnomAD database, including 1 homozygote. The observed variant frequency within African or African-American control individuals in the gnomAD database is approximately 12 fold of the estimated maximal expected allele frequency for a pathogenic variant in TTN causing Dilated Cardiomyopathy phenotype (0.00039), strongly suggesting that the variant is a benign polymorphism found primarily in populations of African or African-American origin. The variant, c.10303+2764T>C, has been reported in the literature in individuals affected with cardiomyopathy, however without evidence for causality (Ware_2016, McAfee_2021). These reports do not provide unequivocal conclusions about association of the variant with Dilated Cardiomyopathy. To our knowledge, no experimental evidence demonstrating an impact on protein function has been reported. Five clinical diagnostic laboratories have submitted clinical-significance assessments for this variant to ClinVar after 2014 without evidence for independent evaluation and classified as VUS (n=1), Likely benign (n=3) or Benign (n=1). Based on the evidence outlined above, the variant was classified as benign.

GeneDx
Classification: Likely benign. Last evaluated: 2020-07-08. Review status: criteria provided, single submitter. Criteria: GeneDx Variant Classification Process June 2021. Collection method: clinical testing. Allele origin: germline. Affected: yes.
Comment: This variant is associated with the following publications: (PMID: 26735901)

Athena Diagnostics
Classification: Benign. Last evaluated: 2019-11-07. Review status: criteria provided, single submitter. Criteria: Athena Diagnostics Criteria. Collection method: clinical testing. Allele origin: unknown.

Eurofins Ntd Llc (ga)
Classification: Likely benign. Last evaluated: 2017-01-27. Review status: criteria provided, single submitter. Criteria: EGL Classification Definitions 2015. Collection method: clinical testing. Allele origin: germline. Observed: 2 variant alleles, 2 heterozygotes.

Laboratory for Molecular Medicine, Mass General Brigham Personalized Medicine
Classification: Uncertain significance. Last evaluated: 2014-05-28. Review status: criteria provided, single submitter. Criteria: LMM Criteria. Collection method: clinical testing. Allele origin: germline. Observed: 1 variant allele.
Comment: Variant classified as Uncertain Significance - Favor Benign. The 10741+2T>C vari ant in TTN has not been previously reported in individuals with cardiomyopathy, but has been identified in 0.4% (17/3882) of African American chromosomes by the NHLBI Exome Sequencing Project (dbSNP rs1995 65715). This variant occurs in the invariant region (+/- 1,2) of the splice cons ensus sequence. Splice and other truncating variants in TTN are strongly associa ted with DCM, particularly if they are located in exons encoding for the A-band region of the protein (Herman 2012, Pugh 2014). Variants in the I-band (where th e 10741+2T>C variant is located) occur at greater frequency in controls than in patients (Pugh 2014). This decreases but does not rule out that this variant ha s a role in disease. In summary, while the clinical significance of the 10741+2T >C variant is uncertain, these data suggest that it is more likely to be benign.

PreventionGenetics, part of Exact Sciences
Classification: Likely benign for TTN-related condition. Last evaluated: 2022-07-07. Review status: no assertion criteria provided. Collection method: clinical testing. Allele origin: germline. Not counted in ClinVar's aggregate classification.
Comment: This variant is classified as likely benign based on ACMG/AMP sequence variant interpretation guidelines (Richards et al. 2015 PMID: 25741868, with internal and published modifications).

Literature cited by the submitters: PubMed 26735901 (cited by 3 submitters); PubMed 34731015 (cited by Women's Health and Genetics/Laboratory Corporation of America, LabCorp).